The following is an entry in ClinVar:

NM_000059.4(BRCA2):c.2403C>A (p.Asn801Lys)

Gene: BRCA2 (BRCA2 DNA repair associated; plus strand). Cytogenetic location: 13q13.1.
Variant type: single nucleotide variant.
Coding change: c.2403C>A on transcript NM_000059.4 (MANE Select); coding-DNA position 2403, C replaced by A.
Protein change: p.Asn801Lys; replaces asparagine 801 with lysine.
Molecular consequence: missense variant.
Genome position (GRCh38, 1-based): chr13:32,336,758, C>A. VCF-style: chr13-32336758-C-A. GRCh37 (hg19) VCF-style: chr13-32910895-C-A.
Other names: short protein forms N801K.
Identifiers: ClinVar variation 485423 (VCV000485423.7), dbSNP rs1379713510, ClinGen allele CA387771980.

ClinVar aggregate classification (germline): Likely benign. Review status: criteria provided, multiple submitters, no conflicts (2 of 4 stars). 2 submissions from 2 submitters: Likely benign (2). Last evaluated 2023-03-23.

Conditions:
Hereditary cancer-predisposing syndrome. Also called: Neoplastic Syndromes, Hereditary; Tumor predisposition; Hereditary Cancer Syndrome; Hereditary neoplastic syndrome. Identifiers: Orphanet 140162, MedGen C0027672, MeSH D009386, MONDO:0015356.

Submissions (2):

University of Washington Department of Laboratory Medicine, University of Washington
Classification: Likely benign for Hereditary cancer-predisposing syndrome. Last evaluated: 2023-03-23. Review status: criteria provided, single submitter. Criteria: Dines et al. (Genet Med. 2020). Collection method: curation. Allele origin: germline.
Comment: Missense variant in a coldspot region where missense variants are very unlikely to be pathogenic (PMID:31911673).

BRCA2 exon 11 coldspot. Reclassification based on statistical prior probability.

Ambry Genetics
Classification: Likely benign for Hereditary cancer-predisposing syndrome. Last evaluated: 2016-10-31. Review status: criteria provided, single submitter. Criteria: Ambry Variant Classification Scheme 2023. Collection method: clinical testing. Allele origin: germline.